The following is an entry in ClinVar:

NM_000152.5(GAA):c.971C>G (p.Pro324Arg)

Gene: GAA (alpha glucosidase; plus strand). Cytogenetic location: 17q25.3.
Variant type: single nucleotide variant.
Coding change: c.971C>G on transcript NM_000152.5 (MANE Select); coding-DNA position 971, C replaced by G.
Protein change: p.Pro324Arg; replaces proline 324 with arginine.
Molecular consequence: missense variant.
Genome position (GRCh38, 1-based): chr17:80,108,305, C>G. VCF-style: chr17-80108305-C-G. GRCh37 (hg19) VCF-style: chr17-78082104-C-G.
Other names: c.971C>G, p.Pro324Arg (NM_001079803.3, NM_001079804.3, NM_001406741.1 and 1 more transcripts); short protein forms P324R.
Identifiers: ClinVar variation 2064493 (VCV002064493.1), dbSNP rs750030887, ClinGen allele CA8815120.
Genomic context (GRCh38, chr17:80,108,305, plus strand): 5'-AAGTGAAGAATCTGTCCCCCAACCCCAGAGCTGCTTCCCTTCCAGATGTGGTCCTGCAGC[C>G]GAGCCCTGCCCTTAGCTGGAGGTCGACAGGTGGGATCCTGGATGTCTACATCTTCCTGGG-3'
Protein context (NP_000143.2, residues 314-334): NSNAMDVVLQ[Pro324Arg]SPALSWRSTG

ClinVar aggregate classification (germline): Uncertain significance (1 of 4 stars; one submission).

Conditions:
Glycogen storage disease, type II (IOPD). Also called: CARDIOMEGALIA GLYCOGENICA DIFFUSA; GLYCOGENOSIS, GENERALIZED, CARDIAC FORM; GSD II; Glucosidase acid-1,4-alpha deficiency; Pompe Disease; Glycogen storage disease type 2. Identifiers: Orphanet 365, MedGen C0017921, MONDO:0009290, OMIM 232300.

gnomAD v4.1: 1 of 1,613,588 alleles (0.000062%); highest among the groups gnomAD compares: Non-Finnish European, 0.000085%; no homozygotes.

Submission:

Labcorp Genetics (formerly Invitae), Labcorp
Classification: Uncertain significance for Glycogen storage disease, type II. Last evaluated: 2022-05-11. Review status: criteria provided, single submitter. Criteria: Invitae Variant Classification Sherloc (09022015). Collection method: clinical testing. Allele origin: germline.
Comment: This sequence change replaces proline, which is neutral and non-polar, with arginine, which is basic and polar, at codon 324 of the GAA protein (p.Pro324Arg). This variant is present in population databases (rs750030887, gnomAD 0.0009%). This variant has not been reported in the literature in individuals affected with GAA-related conditions. Advanced modeling of protein sequence and biophysical properties (such as structural, functional, and spatial information, amino acid conservation, physicochemical variation, residue mobility, and thermodynamic stability) performed at Invitae indicates that this missense variant is expected to disrupt GAA protein function. In summary, the available evidence is currently insufficient to determine the role of this variant in disease. Therefore, it has been classified as a Variant of Uncertain Significance.